The following is an entry in ClinVar:

NM_001854.4(COL11A1):c.2386G>C (p.Gly796Arg)

Gene: COL11A1 (collagen type XI alpha 1 chain; minus strand). Cytogenetic location: 1p21.1.
Variant type: single nucleotide variant.
Coding change: c.2386G>C on transcript NM_001854.4 (MANE Select); coding-DNA position 2386, G replaced by C.
Protein change: p.Gly796Arg; replaces glycine 796 with arginine.
Molecular consequence: missense variant. On other transcripts: non-coding transcript variant (1).
Genome position (GRCh38, 1-based): chr1:102,989,526, C>G on the plus strand (G>C on the coding strand, the complement: COL11A1 is on the minus strand). VCF-style: chr1-102989526-C-G. GRCh37 (hg19) VCF-style: chr1-103455082-C-G.
Other names: c.2269G>C, p.Gly757Arg (NM_001190709.2); c.2422G>C, p.Gly808Arg (NM_080629.3); c.2038G>C, p.Gly680Arg (NM_080630.4); short protein forms G757R, G680R, G796R, G808R.
Identifiers: ClinVar variation 1475836 (VCV001475836.8), dbSNP rs2101750154, ClinGen allele CA341166989.

ClinVar aggregate classification (germline): Likely pathogenic (1 of 4 stars; one submission).

Submission:

Labcorp Genetics (formerly Invitae), Labcorp
Classification: Likely pathogenic. Last evaluated: 2021-03-18. Review status: criteria provided, single submitter. Criteria: Invitae Variant Classification Sherloc (09022015). Collection method: clinical testing. Allele origin: germline.
Comment: This variant is not present in population databases (ExAC no frequency). In summary, the currently available evidence indicates that the variant is pathogenic, but additional data are needed to prove that conclusively. Therefore, this variant has been classified as Likely Pathogenic. Advanced modeling of protein sequence and biophysical properties (such as structural, functional, and spatial information, amino acid conservation, physicochemical variation, residue mobility, and thermodynamic stability) performed at Invitae indicates that this missense variant is expected to disrupt COL11A1 protein function. This variant has been observed in individual(s) with fibrochondrogenesis (PMID: 21035103). In at least one individual the data is consistent with the variant being in trans (on the opposite chromosome) from a pathogenic variant. This sequence change replaces glycine with arginine at codon 796 of the COL11A1 protein (p.Gly796Arg). The glycine residue is highly conserved and there is a moderate physicochemical difference between glycine and arginine.

Literature cited by the submitters: PubMed 21035103.